The following is an entry in ClinVar:

ClinVar aggregate classification (germline): Likely benign. Review status: criteria provided, multiple submitters, no conflicts (2 of 4 stars). 2 submissions from 2 submitters: Likely benign (2). Last evaluated 2025-10-29.

Conditions:
Inborn genetic diseases. Identifiers: MedGen C0950123, MeSH D030342.

Allele frequency attached by ClinVar (database versions not stated): ExAC 0.00016; TOPMed 0.00024; ESP Exome Variant Server 0.00033; 1000 Genomes Project 30x 0.00047; 1000 Genomes Project 0.00060.
gnomAD v4.1: 191 of 1,613,710 alleles (0.012%); highest among the groups gnomAD compares: Middle Eastern, 0.21%; 1 homozygote.

Submissions (2):

Ambry Genetics
Classification: Likely benign for Inborn genetic diseases. Last evaluated: 2025-10-29. Review status: criteria provided, single submitter. Criteria: Ambry Variant Classification Scheme 2023. Collection method: clinical testing. Allele origin: germline.

CeGaT Center for Human Genetics Tuebingen
Classification: Likely benign. Last evaluated: 2024-05-01. Review status: criteria provided, single submitter. Criteria: CeGaT Center For Human Genetics Tuebingen Variant Classification Criteria Version 2. Collection method: clinical testing. Allele origin: germline. Affected: yes. Observed: 1 variant allele.
Comment: DSCAM: BS2

NM_001389.5(DSCAM):c.5879G>A (p.Gly1960Glu)

Gene: DSCAM (DS cell adhesion molecule; minus strand). Cytogenetic location: 21q22.2.
Variant type: single nucleotide variant.
Coding change: c.5879G>A on transcript NM_001389.5 (MANE Select); coding-DNA position 5879, G replaced by A.
Protein change: p.Gly1960Glu; replaces glycine 1960 with glutamic acid.
Molecular consequence: missense variant. On other transcripts: non-coding transcript variant (1).
Genome position (GRCh38, 1-based): chr21:40,013,194, C>T on the plus strand (G>A on the coding strand, the complement: DSCAM is on the minus strand). VCF-style: chr21-40013194-C-T. GRCh37 (hg19) VCF-style: chr21-41385121-C-T.
Other names: c.5879G>A (NM_001389.3); c.5825G>A, p.Gly1942Glu (NM_001271534.3); c.*972G>A (NM_206887.1); short protein forms G1942E, G1960E.
Identifiers: ClinVar variation 3238994 (VCV003238994.19), dbSNP rs202187685.